The following is an entry in ClinVar:

NM_004385.5(VCAN):c.5859G>T (p.Thr1953=)

Genes: VCAN (versican; plus strand), VCAN-AS1 (VCAN antisense RNA 1; minus strand). Cytogenetic location: 5q14.3.
Variant type: single nucleotide variant.
Coding change: c.5859G>T on transcript NM_004385.5 (MANE Select); coding-DNA position 5859, G replaced by T.
Protein change: p.Thr1953=; no amino-acid change (threonine 1953 retained).
Molecular consequence: synonymous variant. On other transcripts: intron variant (2).
Genome position (GRCh38, 1-based): chr5:83,538,862, G>T. VCF-style: chr5-83538862-G-T. GRCh37 (hg19) VCF-style: chr5-82834681-G-T.
Other names: c.2898G>T, p.Thr966= (NM_001164097.2); c.4004-6675G>T (NM_001164098.2); c.1043-6675G>T (NM_001126336.3).
Identifiers: ClinVar variation 167825 (VCV000167825.21), dbSNP rs80028865, ClinGen allele CA235199.
Genomic context (GRCh38, chr5:83,538,862, plus strand): 5'-TTTCAGTGGTGACTTTAGAGAATACTCAACAGTGTCTCATCCCATAGCAAAAGAAGAAAC[G>T]GTAATGATGGAAGGCTCTGGAGATGCAGCATTTAGGGACACCCAGACTTCACCATCTACA-3'
Protein context (NP_004376.2, residues 1943-1963): TVSHPIAKEE[Thr1953=]VMMEGSGDAA

ClinVar aggregate classification (germline): Conflicting classifications of pathogenicity. Review status: criteria provided, conflicting classifications (1 of 4 stars). 5 submissions from 5 submitters: Uncertain significance (1); Benign (2); Likely benign (1). 1 of the submissions does not count toward it. Last evaluated 2026-01-21.

Conditions:
VCAN-related disorder. Also called: VCAN-related condition.
Vitreoretinopathy. Also called: Vitreoretinal degeneration. Identifiers: MedGen C0344290, MONDO:0020248, HP:0007773.

Allele frequency attached by ClinVar (database versions not stated): gnomAD 0.00035; TOPMed 0.00045; 1000 Genomes Project 30x 0.00094; 1000 Genomes Project 0.00100.
gnomAD v4.1: 185 of 1,613,924 alleles (0.011%); highest among the groups gnomAD compares: East Asian, 0.33%; no homozygotes.

Submissions (5):

Labcorp Genetics (formerly Invitae), Labcorp
Classification: Benign. Last evaluated: 2026-01-21. Review status: criteria provided, single submitter. Criteria: Invitae Variant Classification Sherloc (09022015). Collection method: clinical testing. Allele origin: germline.

Blueprint Genetics
Classification: Likely benign. Last evaluated: 2024-10-03. Review status: criteria provided, single submitter. Criteria: ACMG Guidelines, 2015. Collection method: clinical testing. Allele origin: germline.

Illumina Laboratory Services, Illumina
Classification: Benign for Vitreoretinopathy. Last evaluated: 2018-01-13. Review status: criteria provided, single submitter. Criteria: ICSL Variant Classification Criteria 13 December 2019. Collection method: clinical testing. Allele origin: germline.
Comment: This variant was observed in the ICSL laboratory as part of a predisposition screen in an ostensibly healthy population. It had not been previously curated by ICSL or reported in the Human Gene Mutation Database (HGMD: prior to June 1st, 2018), and was therefore a candidate for classification through an automated scoring system. Utilizing variant allele frequency, disease prevalence and penetrance estimates, and inheritance mode, an automated score was calculated to assess if this variant is too frequent to cause the disease. Based on the score and internal cut-off values, a variant classified as benign is not then subjected to further curation. The score for this variant resulted in a classification of benign for this disease.

Eurofins Ntd Llc (ga)
Classification: Uncertain significance. Last evaluated: 2014-01-20. Review status: criteria provided, single submitter. Criteria: EGL Classification Definitions 2015. Collection method: clinical testing. Allele origin: germline. Observed: 1 variant allele, 1 heterozygote.

PreventionGenetics, part of Exact Sciences
Classification: Likely benign for VCAN-related condition. Last evaluated: 2024-06-20. Review status: no assertion criteria provided. Collection method: clinical testing. Allele origin: germline. Not counted in ClinVar's aggregate classification.
Comment: This variant is classified as likely benign based on ACMG/AMP sequence variant interpretation guidelines (Richards et al. 2015 PMID: 25741868, with internal and published modifications).